The following is an entry in ClinVar:

NM_004006.3(DMD):c.32-2A>C

Gene: DMD (dystrophin; minus strand). Cytogenetic location: Xp21.1.
Variant type: single nucleotide variant.
Coding change: c.32-2A>C on transcript NM_004006.3 (MANE Select); the canonical splice acceptor site of the intron before coding-DNA position 32, A replaced by C.
Molecular consequence: splice acceptor variant.
Genome position (GRCh38, 1-based): chrX:33,020,202, T>G on the plus strand (A>C on the coding strand, the complement: DMD is on the minus strand). VCF-style: chrX-33020202-T-G. GRCh37 (hg19) VCF-style: chrX-33038319-T-G.
Other names: c.8-2A>C (NM_000109.4); c.20-2A>C (NM_004009.3); c.-338-2A>C (NM_004010.3).
Identifiers: ClinVar variation 3383510 (VCV003383510.2).

ClinVar aggregate classification (germline): Likely pathogenic (1 of 4 stars; one submission).

Submission:

GeneDx
Classification: Likely pathogenic. Last evaluated: 2024-12-24. Review status: criteria provided, single submitter. Criteria: GeneDx Variant Classification Process June 2021. Collection method: clinical testing. Allele origin: germline. Affected: yes.
Comment: Canonical splice site variant predicted to result in a null allele in a gene for which loss of function is a known mechanism of disease; Not observed at significant frequency in large population cohorts (gnomAD); Has not been previously published as pathogenic or benign to our knowledge